The following is an entry in ClinVar:

ClinVar aggregate classification (germline): Likely benign. Review status: criteria provided, multiple submitters, no conflicts (2 of 4 stars). 3 submissions from 3 submitters: Likely benign (2). 1 of the submissions does not count toward it. Last evaluated 2025-08-14.

Conditions:
Joubert syndrome. Also called: Familial aplasia of the vermis; JOUBERT-BOLTSHAUSER SYNDROME. Identifiers: Orphanet 475, MedGen C5979921, MONDO:0018772.
INPP5E-related disorder. Also called: INPP5E-related condition.

Allele frequency attached by ClinVar (database versions not stated): gnomAD exomes 0.00002 and 0.00005; ExAC 0.00003; gnomAD 0.00004; ESP Exome Variant Server 0.00008; TOPMed 0.00009.
gnomAD v4.1: 75 of 1,608,556 alleles (0.0047%); highest among the groups gnomAD compares: African/African-American, 0.0068%; no homozygotes.

Submissions (3):

Labcorp Genetics (formerly Invitae), Labcorp
Classification: Likely benign for Joubert syndrome. Last evaluated: 2025-08-14. Review status: criteria provided, single submitter. Criteria: Invitae Variant Classification Sherloc (09022015). Collection method: clinical testing. Allele origin: germline.

Blueprint Genetics
Classification: Likely benign. Last evaluated: 2022-11-18. Review status: criteria provided, single submitter. Criteria: ACMG Guidelines, 2015. Collection method: clinical testing. Allele origin: germline.

PreventionGenetics, part of Exact Sciences
Classification: Likely benign for INPP5E-related condition. Last evaluated: 2022-06-03. Review status: no assertion criteria provided. Collection method: clinical testing. Allele origin: germline. Not counted in ClinVar's aggregate classification.
Comment: This variant is classified as likely benign based on ACMG/AMP sequence variant interpretation guidelines (Richards et al. 2015 PMID: 25741868, with internal and published modifications).

NM_019892.6(INPP5E):c.1500C>T (p.Asp500=)

Gene: INPP5E (inositol polyphosphate-5-phosphatase E; minus strand). Cytogenetic location: 9q34.3.
Variant type: single nucleotide variant.
Coding change: c.1500C>T on transcript NM_019892.6 (MANE Select); coding-DNA position 1500, C replaced by T.
Protein change: p.Asp500=; no amino-acid change (aspartic acid 500 retained).
Molecular consequence: synonymous variant.
Genome position (GRCh38, 1-based): chr9:136,431,873, G>A on the plus strand (C>T on the coding strand, the complement: INPP5E is on the minus strand). VCF-style: chr9-136431873-G-A. GRCh37 (hg19) VCF-style: chr9-139326325-G-A.
Other names: c.1497C>T, p.Asp499= (NM_001318502.2); c.1500C>T (NM_019892.5).
Identifiers: ClinVar variation 1623262 (VCV001623262.10), dbSNP rs372142221, ClinGen allele CA5336773.
Genomic context (GRCh38, chr9:136,431,873, plus strand): 5'-CAGGCCCTCACCTTTCCGCATCTCCCGGATGAGCTGGTCGTGCTGCAGCAGCGCCGGCAC[G>A]TCCACCACCAGGCCCTGGCACAGGAGGGCGTCCACGACTGTGCGCCCGCCACTCAGGCGG-3'
Protein context (NP_063945.2, residues 490-510): DALLCQGLVV[Asp500=]VPALLQHDQL